The following is an entry in ClinVar:

NM_000352.6(ABCC8):c.1177-53_1177-51del

Gene: ABCC8 (ATP binding cassette subfamily C member 8; minus strand). Cytogenetic location: 11p15.1.
Variant type: Microsatellite.
Coding change: c.1177-53_1177-51del on transcript NM_000352.6 (MANE Select); 53 bases into the intron before coding-DNA position 1177 through 51 bases into the intron before coding-DNA position 1177, 3 bases deleted (GTG; older notation c.1177-53_1177-51delGTG).
Molecular consequence: intron variant.
Genome position (GRCh38, 1-based): chr11:17,448,722-17,448,724, CAC deleted on the plus strand (GTG on the coding strand, the reverse complement: ABCC8 is on the minus strand); deleting any 3 consecutive bases within chr11:17,448,722-17,448,727 gives the same sequence; the c. name uses the placement nearest the transcript's 3' end. VCF-style (leftmost placement, unchanged base first): chr11-17448721-TCAC-T. GRCh37 (hg19) VCF-style: chr11-17470268-TCAC-T.
Other names: c.1174-53_1174-51del (NM_001351297.2, NM_001351296.2); c.1177-53_1177-51del (NM_001351295.2, NM_001287174.3).
Identifiers: ClinVar variation 1106242 (VCV001106242.10), dbSNP rs1271038564, ClinGen allele CA597667869.

ClinVar aggregate classification (germline): Likely benign. Review status: criteria provided, multiple submitters, no conflicts (2 of 4 stars). 2 submissions from 2 submitters: Likely benign (2). Last evaluated 2022-11-01.

Submissions (2):

Labcorp Genetics (formerly Invitae), Labcorp
Classification: Likely benign. Last evaluated: 2022-11-01. Review status: criteria provided, single submitter. Criteria: Invitae Variant Classification Sherloc (09022015). Collection method: clinical testing. Allele origin: germline.

GeneDx
Classification: Likely benign. Last evaluated: 2019-02-07. Review status: criteria provided, single submitter. Criteria: GeneDx Variant Classification Process June 2021. Collection method: clinical testing. Allele origin: germline. Affected: yes.
Comment: See Variant Classification Assertion Criteria.